The following is an entry in ClinVar:

NM_000419.5(ITGA2B):c.2338G>A (p.Glu780Lys)

Gene: ITGA2B (integrin subunit alpha 2b; minus strand). Cytogenetic location: 17q21.31.
Variant type: single nucleotide variant.
Coding change: c.2338G>A on transcript NM_000419.5 (MANE Select); coding-DNA position 2338, G replaced by A.
Protein change: p.Glu780Lys; replaces glutamic acid 780 with lysine.
Molecular consequence: missense variant.
Genome position (GRCh38, 1-based): chr17:44,376,318, C>T on the plus strand (G>A on the coding strand, the complement: ITGA2B is on the minus strand). VCF-style: chr17-44376318-C-T. GRCh37 (hg19) VCF-style: chr17-42453686-C-T.
Other names: short protein forms E780K.
Identifiers: ClinVar variation 1920155 (VCV001920155.5), dbSNP rs754656542, ClinGen allele CA8602731.

ClinVar aggregate classification (germline): Uncertain significance (1 of 4 stars; one submission).

Conditions:
Glanzmann thrombasthenia. Also called: PLATELET GLYCOPROTEIN IIb-IIIa DEFICIENCY; BLEEDING DISORDER, PLATELET-TYPE, 2; THROMBASTHENIA OF GLANZMANN AND NAEGELI; Thrombasthenia; Glanzmann's thrombasthenia. Identifiers: Orphanet 849, MedGen C0040015, MONDO:0100326.

Allele frequency attached by ClinVar (database versions not stated): gnomAD 0.00002; gnomAD exomes 0.00002; TOPMed 0.00002; ExAC 0.00004.
gnomAD v4.1: 39 of 1,614,082 alleles (0.0024%); highest among the groups gnomAD compares: South Asian, 0.025%; no homozygotes.

Submission:

Labcorp Genetics (formerly Invitae), Labcorp
Classification: Uncertain significance for Glanzmann thrombasthenia. Last evaluated: 2022-04-17. Review status: criteria provided, single submitter. Criteria: Invitae Variant Classification Sherloc (09022015). Collection method: clinical testing. Allele origin: germline.
Comment: This sequence change replaces glutamic acid, which is acidic and polar, with lysine, which is basic and polar, at codon 780 of the ITGA2B protein (p.Glu780Lys). In summary, the available evidence is currently insufficient to determine the role of this variant in disease. Therefore, it has been classified as a Variant of Uncertain Significance. Algorithms developed to predict the effect of missense changes on protein structure and function (SIFT, PolyPhen-2, Align-GVGD) all suggest that this variant is likely to be tolerated. This variant has not been reported in the literature in individuals affected with ITGA2B-related conditions. This variant is present in population databases (rs754656542, gnomAD 0.03%).